The following is an entry in ClinVar:

ClinVar aggregate classification (germline): Uncertain significance (1 of 4 stars; one submission).

Conditions:
Multiple congenital anomalies-hypotonia-seizures syndrome 1 (MCAHS1). Also called: Congenital disorder of glycosylation due to PIGN deficiency; PIGN-CDG; GLYCOSYLPHOSPHATIDYLINOSITOL BIOSYNTHESIS DEFECT 3. Identifiers: Orphanet 280633, MedGen C3279775, MONDO:0013563, OMIM 614080.

Allele frequency attached by ClinVar (database versions not stated): gnomAD 0.00001; gnomAD exomes 0.00001; TOPMed 0.00001.
gnomAD v4.1: 10 of 1,612,690 alleles (0.00062%); highest among the groups gnomAD compares: East Asian, 0.0067%; no homozygotes.

Submission:

Labcorp Genetics (formerly Invitae), Labcorp
Classification: Uncertain significance for Multiple congenital anomalies-hypotonia-seizures syndrome 1. Last evaluated: 2022-08-31. Review status: criteria provided, single submitter. Criteria: Invitae Variant Classification Sherloc (09022015). Collection method: clinical testing. Allele origin: germline.
Comment: This sequence change replaces tyrosine, which is neutral and polar, with cysteine, which is neutral and slightly polar, at codon 434 of the PIGN protein (p.Tyr434Cys). This variant is present in population databases (no rsID available, gnomAD 0.003%). This variant has not been reported in the literature in individuals affected with PIGN-related conditions. Algorithms developed to predict the effect of missense changes on protein structure and function (SIFT, PolyPhen-2, Align-GVGD) all suggest that this variant is likely to be disruptive. In summary, the available evidence is currently insufficient to determine the role of this variant in disease. Therefore, it has been classified as a Variant of Uncertain Significance.

NM_176787.5(PIGN):c.1301A>G (p.Tyr434Cys)

Gene: PIGN (phosphatidylinositol glycan anchor biosynthesis class N; minus strand). Cytogenetic location: 18q21.33.
Variant type: single nucleotide variant.
Coding change: c.1301A>G on transcript NM_176787.5 (MANE Select); coding-DNA position 1301, A replaced by G.
Protein change: p.Tyr434Cys; replaces tyrosine 434 with cysteine.
Molecular consequence: missense variant.
Genome position (GRCh38, 1-based): chr18:62,113,267, T>C on the plus strand (A>G on the coding strand, the complement: PIGN is on the minus strand). VCF-style: chr18-62113267-T-C. GRCh37 (hg19) VCF-style: chr18-59780500-T-C.
Other names: c.1301A>G, p.Tyr434Cys (NM_012327.6); short protein forms Y434C.
Identifiers: ClinVar variation 2179226 (VCV002179226.1), dbSNP rs1237156217, ClinGen allele CA402605935.